The following is an entry in ClinVar:

NM_003500.4(ACOX2):c.1053G>A (p.Leu351=)

Gene: ACOX2 (acyl-CoA oxidase 2; minus strand). Cytogenetic location: 3p14.3.
Variant type: single nucleotide variant.
Coding change: c.1053G>A on transcript NM_003500.4 (MANE Select); coding-DNA position 1053, G replaced by A.
Protein change: p.Leu351=; no amino-acid change (leucine 351 retained).
Molecular consequence: synonymous variant.
Genome position (GRCh38, 1-based): chr3:58,528,896, C>T on the plus strand (G>A on the coding strand, the complement: ACOX2 is on the minus strand). VCF-style: chr3-58528896-C-T. GRCh37 (hg19) VCF-style: chr3-58514623-C-T.
Other names: c.1053G>A (NM_003500.3).
Identifiers: ClinVar variation 2169451 (VCV002169451.6), dbSNP rs143498606, ClinGen allele CA2472188.

ClinVar aggregate classification (germline): Likely benign. Review status: criteria provided, single submitter (1 of 4 stars). 2 submissions from 2 submitters: Likely benign (1). 1 of the submissions does not count toward it. Last evaluated 2025-09-13.

Conditions:
ACOX2-related disorder. Also called: ACOX2-related condition.

Allele frequency attached by ClinVar (database versions not stated): gnomAD exomes 0.00004; ExAC 0.00012; TOPMed 0.00047; gnomAD 0.00049; ESP Exome Variant Server 0.00069; 1000 Genomes Project 0.00100; 1000 Genomes Project 30x 0.00109.
gnomAD v4.1: 142 of 1,613,582 alleles (0.0088%); highest among the groups gnomAD compares: African/African-American, 0.17%; no homozygotes.

Submissions (2):

Labcorp Genetics (formerly Invitae), Labcorp
Classification: Likely benign. Last evaluated: 2025-09-13. Review status: criteria provided, single submitter. Criteria: Invitae Variant Classification Sherloc (09022015). Collection method: clinical testing. Allele origin: germline.

PreventionGenetics, part of Exact Sciences
Classification: Likely benign for ACOX2-related condition. Last evaluated: 2021-04-21. Review status: no assertion criteria provided. Collection method: clinical testing. Allele origin: germline. Not counted in ClinVar's aggregate classification.
Comment: This variant is classified as likely benign based on ACMG/AMP sequence variant interpretation guidelines (Richards et al. 2015 PMID: 25741868, with internal and published modifications).